The following is an entry in ClinVar:

NM_000051.4(ATM):c.8418+677G>A

Genes: ATM (ATM serine/threonine kinase; plus strand), C11orf65 (chromosome 11 open reading frame 65; minus strand). Cytogenetic location: 11q22.3.
Variant type: single nucleotide variant.
Coding change: c.8418+677G>A on transcript NM_000051.4 (MANE Select); 677 bases into the intron after coding-DNA position 8418, G replaced by A.
Molecular consequence: intron variant.
Genome position (GRCh38, 1-based): chr11:108,344,048, G>A. VCF-style: chr11-108344048-G-A. GRCh37 (hg19) VCF-style: chr11-108214775-G-A.
Other names: c.8418+677G>A (NM_001351834.2); c.641-34977C>T (NM_001330368.2); c.695-8756C>T (NM_001351110.2).
Identifiers: ClinVar variation 4914000 (VCV004914000.2).
Genomic context (GRCh38, chr11:108,344,048, plus strand): 5'-GACTAATCATCATAATCCTTATCCTCATTTTAAAATGAGAAGTTCAGAGAACTTGCCCAA[G>A]GCCAGTGAGCTAATAAACAGAGCAAGGATTTGAGCCTTGTCTAAATCCAAAATCCATTTA-3'

ClinVar aggregate classification (germline): Conflicting classifications of pathogenicity. Review status: criteria provided, conflicting classifications (1 of 4 stars). 2 submissions from 2 submitters: Uncertain significance (1); Likely benign (1). Last evaluated 2026-04-15.

Conditions:
ATM-related disorder. Also called: ATM-related disorders; ATM-related condition.

gnomAD v4.1: 24 of 152,104 alleles (0.016%); highest among the groups gnomAD compares: Non-Finnish European, 0.031%; no homozygotes.

Submissions (2):

PreventionGenetics, part of Exact Sciences
Classification: Likely benign for ATM-related condition. Last evaluated: 2026-04-15. Review status: criteria provided, single submitter. Criteria: ACMG Guidelines, 2015. Collection method: clinical testing. Allele origin: germline.
Comment: This variant is classified as likely benign based on ACMG/AMP sequence variant interpretation guidelines (Richards et al. 2015 PMID: 25741868, with internal and published modifications).

Blueprint Genetics
Classification: Uncertain significance. Last evaluated: 2024-09-03. Review status: criteria provided, single submitter. Criteria: ACMG Guidelines, 2015. Collection method: clinical testing. Allele origin: germline.